The following is an entry in ClinVar:

NM_001852.4(COL9A2):c.1062G>A (p.Pro354=)

Gene: COL9A2 (collagen type IX alpha 2 chain; minus strand). Cytogenetic location: 1p34.2.
Variant type: single nucleotide variant.
Coding change: c.1062G>A on transcript NM_001852.4 (MANE Select); coding-DNA position 1062, G replaced by A.
Protein change: p.Pro354=; no amino-acid change (proline 354 retained).
Molecular consequence: synonymous variant.
Genome position (GRCh38, 1-based): chr1:40,305,760, C>T on the plus strand (G>A on the coding strand, the complement: COL9A2 is on the minus strand). VCF-style: chr1-40305760-C-T. GRCh37 (hg19) VCF-style: chr1-40771432-C-T.
Other names: p.Pro354=.
Identifiers: ClinVar variation 258365 (VCV000258365.22), dbSNP rs6676013, ClinGen allele CA791603.

ClinVar aggregate classification (germline): Benign. Review status: criteria provided, multiple submitters, no conflicts (2 of 4 stars). 11 submissions from 11 submitters: Benign (9). 2 of the submissions do not count toward it. Last evaluated 2026-05-09.

Conditions:
Epiphyseal dysplasia, multiple, 2 (EDM2). Also called: COL9A2-Related Multiple Epiphyseal Dysplasia. Identifiers: MedGen C1838429, MONDO:0010844, OMIM 600204.

Allele frequency attached by ClinVar (database versions not stated): gnomAD exomes 0.03052; ExAC 0.03127; ESP Exome Variant Server 0.03644; gnomAD 0.03966 and 0.03985; TOPMed 0.04579; 1000 Genomes Project 0.06050; 1000 Genomes Project 30x 0.06074.
gnomAD v4.1: 22,516 of 1,613,974 alleles (1.4%); highest among the groups gnomAD compares: East Asian, 11%; 899 homozygotes.

Submissions (11):

Women's Health and Genetics/Laboratory Corporation of America, LabCorp
Classification: Benign. Last evaluated: 2026-05-09. Review status: criteria provided, single submitter. Criteria: LabCorp Variant Classification Summary - May 2015. Collection method: clinical testing. Allele origin: germline.

Labcorp Genetics (formerly Invitae), Labcorp
Classification: Benign. Last evaluated: 2026-02-02. Review status: criteria provided, single submitter. Criteria: Invitae Variant Classification Sherloc (09022015). Collection method: clinical testing. Allele origin: germline.

Blueprint Genetics
Classification: Benign. Last evaluated: 2024-11-26. Review status: criteria provided, single submitter. Criteria: ACMG Guidelines, 2015. Collection method: clinical testing. Allele origin: germline.

Mayo Clinic Laboratories, Mayo Clinic
Classification: Benign. Last evaluated: 2022-04-17. Review status: criteria provided, single submitter. Criteria: ACMG Guidelines, 2015. Collection method: clinical testing. Allele origin: germline. Observed: 4 variant alleles.

Athena Diagnostics
Classification: Benign. Last evaluated: 2018-05-24. Review status: criteria provided, single submitter. Criteria: Athena Diagnostics Criteria. Collection method: clinical testing. Allele origin: germline.

Illumina Laboratory Services, Illumina
Classification: Benign for Epiphyseal dysplasia, multiple, 2. Last evaluated: 2018-01-13. Review status: criteria provided, single submitter. Criteria: ICSL Variant Classification Criteria 13 December 2019. Collection method: clinical testing. Allele origin: germline.
Comment: This variant was observed in the ICSL laboratory as part of a predisposition screen in an ostensibly healthy population. It had not been previously curated by ICSL or reported in the Human Gene Mutation Database (HGMD: prior to June 1st, 2018), and was therefore a candidate for classification through an automated scoring system. Utilizing variant allele frequency, disease prevalence and penetrance estimates, and inheritance mode, an automated score was calculated to assess if this variant is too frequent to cause the disease. Based on the score and internal cut-off values, a variant classified as benign is not then subjected to further curation. The score for this variant resulted in a classification of benign for this disease.

GeneDx
Classification: Benign. Last evaluated: 2016-12-13. Review status: criteria provided, single submitter. Criteria: GeneDx Variant Classification (06012015). Collection method: clinical testing. Allele origin: germline. Affected: yes.
Comment: This variant is considered likely benign or benign based on one or more of the following criteria: it is a conservative change, it occurs at a poorly conserved position in the protein, it is predicted to be benign by multiple in silico algorithms, and/or has population frequency not consistent with disease.

Breakthrough Genomics
Classification: Benign. Review status: criteria provided, single submitter. Criteria: ACMG Guidelines, 2015. Collection method: not provided. Allele origin: germline. Inheritance: Autosomal recessive inheritance. Affected: yes.

PreventionGenetics, part of Exact Sciences
Classification: Benign. Review status: criteria provided, single submitter. Criteria: ACMG Guidelines, 2015. Collection method: clinical testing. Allele origin: germline.

Genome Diagnostics Laboratory, Amsterdam University Medical Center
Classification: Benign. Review status: no assertion criteria provided. Collection method: clinical testing. Allele origin: germline. Affected: yes. Study: VKGL Data-share Consensus. Not counted in ClinVar's aggregate classification.

Joint Genome Diagnostic Labs from Nijmegen and Maastricht, Radboudumc and MUMC+
Classification: Benign. Review status: no assertion criteria provided. Collection method: clinical testing. Allele origin: germline. Affected: yes. Study: VKGL Data-share Consensus. Not counted in ClinVar's aggregate classification.